The following is an entry in ClinVar:

ClinVar aggregate classification (germline): Uncertain significance (1 of 4 stars; one submission).

Submission:

Labcorp Genetics (formerly Invitae), Labcorp
Classification: Uncertain significance. Last evaluated: 2025-11-05. Review status: criteria provided, single submitter. Criteria: Invitae Variant Classification Sherloc (09022015). Collection method: clinical testing. Allele origin: germline.
Comment: This sequence change replaces tyrosine, which is neutral and polar, with cysteine, which is neutral and slightly polar, at codon 1133 of the POLE protein (p.Tyr1133Cys). This variant is not present in population databases (gnomAD no frequency). This variant has not been reported in the literature in individuals affected with POLE-related conditions. ClinVar contains an entry for this variant (Variation ID: 1000104). Invitae Evidence Modeling of protein sequence and biophysical properties (such as structural, functional, and spatial information, amino acid conservation, physicochemical variation, residue mobility, and thermodynamic stability) indicates that this missense variant is expected to disrupt POLE protein function with a positive predictive value of 80%. In summary, the available evidence is currently insufficient to determine the role of this variant in disease. Therefore, it has been classified as a Variant of Uncertain Significance.

NM_006231.4(POLE):c.3398A>G (p.Tyr1133Cys)

Gene: POLE (DNA polymerase epsilon, catalytic subunit; minus strand). Cytogenetic location: 12q24.33.
Variant type: single nucleotide variant.
Coding change: c.3398A>G on transcript NM_006231.4 (MANE Select); coding-DNA position 3398, A replaced by G.
Protein change: p.Tyr1133Cys; replaces tyrosine 1133 with cysteine.
Molecular consequence: missense variant.
Genome position (GRCh38, 1-based): chr12:132,657,410, T>C on the plus strand (A>G on the coding strand, the complement: POLE is on the minus strand). VCF-style: chr12-132657410-T-C. GRCh37 (hg19) VCF-style: chr12-133233996-T-C.
Other names: short protein forms Y1133C.
Identifiers: ClinVar variation 1000104 (VCV001000104.8), dbSNP rs2042569577, ClinGen allele CA387389513.